The following is an entry in ClinVar:

ClinVar aggregate classification (germline): Uncertain significance. Review status: criteria provided, multiple submitters, no conflicts (2 of 4 stars). 2 submissions from 2 submitters: Uncertain significance (2). Last evaluated 2026-04-04.

Conditions:
Hypertrophic cardiomyopathy 1 (CMH1). Also called: MYH7-Related Familial Hypertrophic Cardiomyopathy; Familial hypertrophic cardiomyopathy 1. Identifiers: MedGen C3495498, MONDO:0008647, OMIM 192600.

Allele frequency attached by ClinVar (database versions not stated): gnomAD exomes below 0.00001; TOPMed below 0.00001.

Submissions (2):

Ambry Genetics
Classification: Uncertain significance. Last evaluated: 2026-04-04. Review status: criteria provided, single submitter. Criteria: Ambry Variant Classification Scheme 2023. Collection method: clinical testing. Allele origin: germline.
Comment: The p.V576I variant (also known as c.1726G>A), located in coding exon 12 of the MYLK2 gene, results from a G to A substitution at nucleotide position 1726. The valine at codon 576 is replaced by isoleucine, an amino acid with highly similar properties. This amino acid position is conserved. In addition, this alteration is predicted to be tolerated by in silico analysis. Based on the available evidence, the clinical significance of this variant remains unclear.

Labcorp Genetics (formerly Invitae), Labcorp
Classification: Uncertain significance for Hypertrophic cardiomyopathy 1. Last evaluated: 2023-11-17. Review status: criteria provided, single submitter. Criteria: Invitae Variant Classification Sherloc (09022015). Collection method: clinical testing. Allele origin: germline.
Comment: This sequence change replaces valine, which is neutral and non-polar, with isoleucine, which is neutral and non-polar, at codon 576 of the MYLK2 protein (p.Val576Ile). This variant is present in population databases (no rsID available, gnomAD 0.0009%). This variant has not been reported in the literature in individuals affected with MYLK2-related conditions. ClinVar contains an entry for this variant (Variation ID: 572642). An algorithm developed to predict the effect of missense changes on protein structure and function (PolyPhen-2) suggests that this variant is likely to be disruptive. In summary, the available evidence is currently insufficient to determine the role of this variant in disease. Therefore, it has been classified as a Variant of Uncertain Significance.

NM_033118.4(MYLK2):c.1726G>A (p.Val576Ile)

Gene: MYLK2 (myosin light chain kinase 2; plus strand). Cytogenetic location: 20q11.21.
Variant type: single nucleotide variant.
Coding change: c.1726G>A on transcript NM_033118.4 (MANE Select); coding-DNA position 1726, G replaced by A.
Protein change: p.Val576Ile; replaces valine 576 with isoleucine.
Molecular consequence: missense variant.
Genome position (GRCh38, 1-based): chr20:31,833,732, G>A. VCF-style: chr20-31833732-G-A. GRCh37 (hg19) VCF-style: chr20-30421535-G-A.
Other names: short protein forms V576I.
Identifiers: ClinVar variation 572642 (VCV000572642.9), dbSNP rs1288571285, ClinGen allele CA408528544.
Genomic context (GRCh38, chr20:31,833,732, plus strand): 5'-CCCTGCCCTGGTGTTGACTGGGACTCCCTCTCTTCTGCCCTCTAGAAAAACTTCATTGCT[G>A]TCAGCGCTGCCAACCGCTTCAAGAAGATCAGCAGCTCGGGGGCACTGATGGCTCTGGGGG-3'
Protein context (NP_149109.1, residues 566-586): KRRWKKNFIA[Val576Ile]SAANRFKKIS